The following is an entry in ClinVar:

NM_001130009.3(GEN1):c.856T>C (p.Tyr286His)

Gene: GEN1 (GEN1 structure-specific endonuclease; plus strand). Cytogenetic location: 2p24.2.
Variant type: single nucleotide variant.
Coding change: c.856T>C on transcript NM_001130009.3 (MANE Select); coding-DNA position 856, T replaced by C.
Protein change: p.Tyr286His; replaces tyrosine 286 with histidine.
Molecular consequence: missense variant.
Genome position (GRCh38, 1-based): chr2:17,772,687, T>C. VCF-style: chr2-17772687-T-C. GRCh37 (hg19) VCF-style: chr2-17953954-T-C.
Other names: c.856T>C, p.Tyr286His (NM_182625.5); c.856T>C (NM_001130009.1); short protein forms Y286H.
Identifiers: ClinVar variation 3619358 (VCV003619358.3).

ClinVar aggregate classification (germline): Uncertain significance. Review status: criteria provided, multiple submitters, no conflicts (2 of 4 stars). 2 submissions from 2 submitters: Uncertain significance (2). Last evaluated 2025-03-22.

gnomAD v4.1: 1 of 1,612,544 alleles (0.000062%); highest among the groups gnomAD compares: East Asian, 0.0022%; no homozygotes.

Submissions (2):

Ambry Genetics
Classification: Uncertain significance. Last evaluated: 2025-03-22. Review status: criteria provided, single submitter. Criteria: Ambry Variant Classification Scheme 2023. Collection method: clinical testing. Allele origin: germline.
Comment: The p.Y286H variant (also known as c.856T>C), located in coding exon 7 of the GEN1 gene, results from a T to C substitution at nucleotide position 856. The tyrosine at codon 286 is replaced by histidine, an amino acid with similar properties. This amino acid position is conserved. In addition, this alteration is predicted to be tolerated by in silico analysis. Based on the available evidence, the clinical significance of this variant remains unclear.

Labcorp Genetics (formerly Invitae), Labcorp
Classification: Uncertain significance. Last evaluated: 2024-05-23. Review status: criteria provided, single submitter. Criteria: Invitae Variant Classification Sherloc (09022015). Collection method: clinical testing. Allele origin: germline.
Comment: This sequence change replaces tyrosine, which is neutral and polar, with histidine, which is basic and polar, at codon 286 of the GEN1 protein (p.Tyr286His). This variant is present in population databases (no rsID available, gnomAD 0.006%). This variant has not been reported in the literature in individuals affected with GEN1-related conditions. Algorithms developed to predict the effect of missense changes on protein structure and function output the following: SIFT: "Not Available"; PolyPhen-2: "Benign"; Align-GVGD: "Not Available". The histidine amino acid residue is found in multiple mammalian species, which suggests that this missense change does not adversely affect protein function. In summary, the available evidence is currently insufficient to determine the role of this variant in disease. Therefore, it has been classified as a Variant of Uncertain Significance.